The following is an entry in ClinVar:

NM_004565.3(PEX14):c.1081G>A (p.Val361Met)

Gene: PEX14 (peroxisomal biogenesis factor 14; plus strand). Cytogenetic location: 1p36.22.
Variant type: single nucleotide variant.
Coding change: c.1081G>A on transcript NM_004565.3 (MANE Select); coding-DNA position 1081, G replaced by A.
Protein change: p.Val361Met; replaces valine 361 with methionine.
Molecular consequence: missense variant.
Genome position (GRCh38, 1-based): chr1:10,629,934, G>A. VCF-style: chr1-10629934-G-A. GRCh37 (hg19) VCF-style: chr1-10689991-G-A.
Other names: c.1081G>A (NM_004565.2); short protein forms V361M.
Identifiers: ClinVar variation 1488796 (VCV001488796.7), dbSNP rs1041756834, ClinGen allele CA17855236.

ClinVar aggregate classification (germline): Uncertain significance. Review status: criteria provided, multiple submitters, no conflicts (2 of 4 stars). 3 submissions from 3 submitters: Uncertain significance (3). Last evaluated 2023-07-17.

Conditions:
Peroxisome biogenesis disorder 13A (Zellweger). Also called: Peroxisome biogenesis disorder 13A. Identifiers: Orphanet 912, MedGen C3554004, MONDO:0013952, OMIM 614887.
Peroxisome biogenesis disorder, complementation group K (CGK). Identifiers: MedGen C1866257, MONDO:0800365.
Inborn genetic diseases. Identifiers: MedGen C0950123, MeSH D030342.

Allele frequency attached by ClinVar (database versions not stated): gnomAD exomes 0.00001; gnomAD 0.00001.

Submissions (3):

Ambry Genetics
Classification: Uncertain significance for Inborn genetic diseases. Last evaluated: 2023-07-17. Review status: criteria provided, single submitter. Criteria: Ambry Variant Classification Scheme 2023. Collection method: clinical testing. Allele origin: germline.

Fulgent Genetics
Classification: Uncertain significance for Peroxisome biogenesis disorder 13A (Zellweger). Last evaluated: 2022-04-01. Review status: criteria provided, single submitter. Criteria: ACMG Guidelines, 2015. Collection method: clinical testing. Allele origin: unknown.

Labcorp Genetics (formerly Invitae), Labcorp
Classification: Uncertain significance for Peroxisome biogenesis disorder, complementation group K. Last evaluated: 2021-08-26. Review status: criteria provided, single submitter. Criteria: Invitae Variant Classification Sherloc (09022015). Collection method: clinical testing. Allele origin: germline.
Comment: This sequence change replaces valine with methionine at codon 361 of the PEX14 protein (p.Val361Met). The valine residue is moderately conserved and there is a small physicochemical difference between valine and methionine. This variant is not present in population databases (ExAC no frequency). This variant has not been reported in the literature in individuals affected with PEX14-related conditions. Algorithms developed to predict the effect of missense changes on protein structure and function are either unavailable or do not agree on the potential impact of this missense change (SIFT: "Tolerated"; PolyPhen-2: "Probably Damaging"; Align-GVGD: "Class C0"). In summary, the available evidence is currently insufficient to determine the role of this variant in disease. Therefore, it has been classified as a Variant of Uncertain Significance.